The following is an entry in ClinVar:

ClinVar aggregate classification (germline): Uncertain significance (1 of 4 stars; one submission).

Conditions:
Familial hypocalciuric hypercalcemia (FHH). Also called: Familial benign hypercalcemia. Identifiers: Orphanet 405, MedGen C1809471, MONDO:0018458.
Autosomal dominant hypocalcemia 1 (HYPOC1). Also called: HYPOCALCEMIA, FAMILIAL. Identifiers: MedGen C3715128, MONDO:0011013, OMIM 601198.

Submission:

Labcorp Genetics (formerly Invitae), Labcorp
Classification: Uncertain significance for Familial hypocalciuric hypercalcemia; Autosomal dominant hypocalcemia 1. Last evaluated: 2023-05-02. Review status: criteria provided, single submitter. Criteria: Invitae Variant Classification Sherloc (09022015). Collection method: clinical testing. Allele origin: germline.
Comment: This variant has not been reported in the literature in individuals affected with CASR-related conditions. This variant is not present in population databases (gnomAD no frequency). This sequence change replaces glycine, which is neutral and non-polar, with arginine, which is basic and polar, at codon 571 of the CASR protein (p.Gly571Arg). An algorithm developed to predict the effect of missense changes on protein structure and function (PolyPhen-2) suggests that this variant is likely to be disruptive. In summary, the available evidence is currently insufficient to determine the role of this variant in disease. Therefore, it has been classified as a Variant of Uncertain Significance.

NM_000388.4(CASR):c.1711G>A (p.Gly571Arg)

Gene: CASR (calcium sensing receptor; plus strand). Cytogenetic location: 3q21.1.
Variant type: single nucleotide variant.
Coding change: c.1711G>A on transcript NM_000388.4 (MANE Select); coding-DNA position 1711, G replaced by A.
Protein change: p.Gly571Arg; replaces glycine 571 with arginine.
Molecular consequence: missense variant.
Genome position (GRCh38, 1-based): chr3:122,282,215, G>A. VCF-style: chr3-122282215-G-A. GRCh37 (hg19) VCF-style: chr3-122001062-G-A.
Other names: c.1741G>A, p.Gly581Arg (NM_001178065.2); short protein forms G571R, G581R.
Identifiers: ClinVar variation 2947390 (VCV002947390.3), dbSNP rs2473272943, ClinGen allele CA354156330.
Genomic context (GRCh38, chr3:122,282,215, plus strand): 5'-AGGAAAGGGATCATTGAGGGGGAGCCCACCTGCTGCTTTGAGTGTGTGGAGTGTCCTGAT[G>A]GGGAGTATAGTGATGAGACAGGTAAGGGAACCCCTCTTGGGCACTGTGCAGGGCTTGGTC-3'
Protein context (NP_000379.3, residues 561-581): CCFECVECPD[Gly571Arg]EYSDETDASA